The following is an entry in ClinVar:

ClinVar aggregate classification (germline): Uncertain significance. Review status: criteria provided, multiple submitters, no conflicts (2 of 4 stars). 4 submissions from 4 submitters: Uncertain significance (4). Last evaluated 2025-12-24.

Conditions:
Frontotemporal dementia and/or amyotrophic lateral sclerosis 1 (FTDALS1). Also called: Frontotemporal dementia with motor neuron disease 1; C9orf72 Frontotemporal Dementia and/or Amyotrophic Lateral Sclerosis. Identifiers: Orphanet 275872, MedGen C5779877, MONDO:0007105, OMIM 105550.
Paget disease of bone 2, early-onset (PDB2). Also called: Paget disease of bone 2. Identifiers: MedGen C4085251, MONDO:0011183, OMIM 602080.
Inborn genetic diseases. Identifiers: MedGen C0950123, MeSH D030342.

Allele frequency attached by ClinVar (database versions not stated): TOPMed 0.00012; 1000 Genomes Project 30x 0.00016; ESP Exome Variant Server 0.00016; 1000 Genomes Project 0.00040.
gnomAD v4.1: 59 of 1,551,114 alleles (0.0038%); highest among the groups gnomAD compares: African/African-American, 0.052%; no homozygotes.

Submissions (4):

Labcorp Genetics (formerly Invitae), Labcorp
Classification: Uncertain significance for Paget disease of bone 2, early-onset; Frontotemporal dementia and/or amyotrophic lateral sclerosis 1. Last evaluated: 2025-12-24. Review status: criteria provided, single submitter. Criteria: Invitae Variant Classification Sherloc (09022015). Collection method: clinical testing. Allele origin: germline.
Comment: This sequence change replaces alanine, which is neutral and non-polar, with valine, which is neutral and non-polar, at codon 2 of the SQSTM1 protein (p.Ala2Val). The frequency data for this variant in the population databases is considered unreliable, as metrics indicate poor data quality at this position in the gnomAD database. This variant has not been reported in the literature in individuals affected with SQSTM1-related conditions. ClinVar contains an entry for this variant (Variation ID: 861123). An algorithm developed to predict the effect of missense changes on protein structure and function (PolyPhen-2) suggests that this variant is likely to be tolerated. In summary, the available evidence is currently insufficient to determine the role of this variant in disease. Therefore, it has been classified as a Variant of Uncertain Significance.

GeneDx
Classification: Uncertain significance. Last evaluated: 2025-01-01. Review status: criteria provided, single submitter. Criteria: GeneDx Variant Classification Process June 2021. Collection method: clinical testing. Allele origin: germline. Affected: yes.
Comment: In silico analysis indicates that this missense variant does not alter protein structure/function; Has not been previously published as pathogenic or benign to our knowledge

Revvity Omics, Revvity
Classification: Uncertain significance. Last evaluated: 2022-07-26. Review status: criteria provided, single submitter. Criteria: ACMG Guidelines, 2015. Collection method: clinical testing. Allele origin: germline.

Ambry Genetics
Classification: Uncertain significance for Inborn genetic diseases. Last evaluated: 2021-09-02. Review status: criteria provided, single submitter. Criteria: Ambry Variant Classification Scheme 2023. Collection method: clinical testing. Allele origin: germline.

NM_003900.5(SQSTM1):c.5C>T (p.Ala2Val)

Gene: SQSTM1 (sequestosome 1; plus strand). Cytogenetic location: 5q35.3.
Variant type: single nucleotide variant.
Coding change: c.5C>T on transcript NM_003900.5 (MANE Select); coding-DNA position 5, C replaced by T.
Protein change: p.Ala2Val; replaces alanine 2 with valine.
Molecular consequence: missense variant. On other transcripts: intron variant (2).
Genome position (GRCh38, 1-based): chr5:179,820,941, C>T. VCF-style: chr5-179820941-C-T. GRCh37 (hg19) VCF-style: chr5-179247941-C-T.
Other names: c.-47-2017C>T (NM_001142298.2, NM_001142299.2); short protein forms A2V.
Identifiers: ClinVar variation 861123 (VCV000861123.12), dbSNP rs377371202, ClinGen allele CA3600352.